The following is an entry in ClinVar:

NM_005228.5(EGFR):c.2947-2A>G

Gene: EGFR (epidermal growth factor receptor; plus strand). Cytogenetic location: 7p11.2.
Variant type: single nucleotide variant.
Coding change: c.2947-2A>G on transcript NM_005228.5 (MANE Select); the canonical splice acceptor site of the intron before coding-DNA position 2947, A replaced by G.
Molecular consequence: splice acceptor variant.
Genome position (GRCh38, 1-based): chr7:55,201,186, A>G. VCF-style: chr7-55201186-A-G. GRCh37 (hg19) VCF-style: chr7-55268879-A-G.
Other names: c.2812-2A>G (NM_001346899.2, NM_001346897.2); c.2146-2A>G (NM_001346941.2); c.2947-2A>G (NM_001346898.2); c.2788-2A>G (NM_001346900.2).
Identifiers: ClinVar variation 2011607 (VCV002011607.4), dbSNP rs2534866114, ClinGen allele CA367582327.
Genomic context (GRCh38, chr7:55,201,186, plus strand): 5'-AGCCAAGAAGTGGAATAGCATCTCTACGGGCCATTCTAATAGCCTCAAAATCTCTGCACC[A>G]GGGGGATGAAAGAATGCATTTGCCAAGTCCTACAGACTCCAACTTCTACCGTGCCCTGAT-3'

ClinVar aggregate classification (germline): Likely pathogenic (1 of 4 stars; one submission).

Conditions:
EGFR-related lung cancer (EGFR). Identifiers: MedGen CN130014.

Submission:

Labcorp Genetics (formerly Invitae), Labcorp
Classification: Likely pathogenic for EGFR-related lung cancer. Last evaluated: 2022-06-27. Review status: criteria provided, single submitter. Criteria: Invitae Variant Classification Sherloc (09022015). Collection method: clinical testing. Allele origin: germline.
Comment: In summary, the currently available evidence indicates that the variant is pathogenic, but additional data are needed to prove that conclusively. Therefore, this variant has been classified as Likely Pathogenic. Algorithms developed to predict the effect of sequence changes on RNA splicing suggest that this variant may disrupt the consensus splice site. This variant has not been reported in the literature in individuals affected with EGFR-related conditions. This variant is not present in population databases (gnomAD no frequency). This sequence change affects an acceptor splice site in intron 24 of the EGFR gene. It is expected to disrupt RNA splicing. Variants that disrupt the donor or acceptor splice site typically lead to a loss of protein function (PMID: 16199547), and loss-of-function variants in EGFR are known to be pathogenic (PMID: 7630400, 28726809, 29899996).

Literature cited by the submitters: PubMed 16199547; PubMed 7630400; PubMed 28726809; PubMed 29899996.